The following is an entry in ClinVar:

NM_015559.3(SETBP1):c.131C>G (p.Pro44Arg)

Gene: SETBP1 (SET binding protein 1; plus strand). Cytogenetic location: 18q12.3.
Variant type: single nucleotide variant.
Coding change: c.131C>G on transcript NM_015559.3 (MANE Select); coding-DNA position 131, C replaced by G.
Protein change: p.Pro44Arg; replaces proline 44 with arginine.
Molecular consequence: missense variant.
Genome position (GRCh38, 1-based): chr18:44,701,477, C>G. VCF-style: chr18-44701477-C-G. GRCh37 (hg19) VCF-style: chr18-42281442-C-G.
Other names: c.131C>G, p.Pro44Arg (NM_001130110.2, NM_001379141.1, NM_001379142.1); short protein forms P44R.
Identifiers: ClinVar variation 1361268 (VCV001361268.8), dbSNP rs2144196383, ClinGen allele CA402481497.

ClinVar aggregate classification (germline): Uncertain significance (1 of 4 stars; one submission).

Submission:

Labcorp Genetics (formerly Invitae), Labcorp
Classification: Uncertain significance. Last evaluated: 2021-06-15. Review status: criteria provided, single submitter. Criteria: Invitae Variant Classification Sherloc (09022015). Collection method: clinical testing. Allele origin: germline.
Comment: This variant is not present in population databases (ExAC no frequency). This sequence change replaces proline with arginine at codon 44 of the SETBP1 protein (p.Pro44Arg). The proline residue is weakly conserved and there is a moderate physicochemical difference between proline and arginine. This variant has not been reported in the literature in individuals with SETBP1-related conditions. In summary, the available evidence is currently insufficient to determine the role of this variant in disease. Therefore, it has been classified as a Variant of Uncertain Significance. Algorithms developed to predict the effect of missense changes on protein structure and function are either unavailable or do not agree on the potential impact of this missense change (SIFT: "Deleterious"; PolyPhen-2: "Benign"; Align-GVGD: "Class C0").